The following is an entry in ClinVar:

NM_030973.4(MED25):c.295G>A (p.Asp99Asn)

Gene: MED25 (mediator complex subunit 25; plus strand). Cytogenetic location: 19q13.33.
Variant type: single nucleotide variant.
Coding change: c.295G>A on transcript NM_030973.4 (MANE Select); coding-DNA position 295, G replaced by A.
Protein change: p.Asp99Asn; replaces aspartic acid 99 with asparagine.
Molecular consequence: missense variant.
Genome position (GRCh38, 1-based): chr19:49,819,286, G>A. VCF-style: chr19-49819286-G-A. GRCh37 (hg19) VCF-style: chr19-50322543-G-A.
Other names: c.295G>A, p.Asp99Asn (NM_001378355.1); short protein forms D99N.
Identifiers: ClinVar variation 572436 (VCV000572436.8), dbSNP rs778775959, ClinGen allele CA9584780.

ClinVar aggregate classification (germline): Uncertain significance (1 of 4 stars; one submission).

Conditions:
Charcot-Marie-Tooth disease type 2. Also called: Charcot-Marie-Tooth type 2. Identifiers: Orphanet 64746, MedGen C0270914, MONDO:0018993.

Allele frequency attached by ClinVar (database versions not stated): gnomAD 0.00001; gnomAD exomes 0.00001; TOPMed 0.00001.
gnomAD v4.1: 16 of 1,594,816 alleles (0.001%); highest among the groups gnomAD compares: South Asian, 0.0077%; no homozygotes.

Submission:

Labcorp Genetics (formerly Invitae), Labcorp
Classification: Uncertain significance for Charcot-Marie-Tooth disease type 2. Last evaluated: 2021-07-21. Review status: criteria provided, single submitter. Criteria: Invitae Variant Classification Sherloc (09022015). Collection method: clinical testing. Allele origin: germline.
Comment: This variant is present in population databases (rs778775959, ExAC 0.006%). In summary, the available evidence is currently insufficient to determine the role of this variant in disease. Therefore, it has been classified as a Variant of Uncertain Significance. Algorithms developed to predict the effect of missense changes on protein structure and function output the following: SIFT: "Deleterious"; PolyPhen-2: "Probably Damaging"; Align-GVGD: "Class C0". The asparagine amino acid residue is found in multiple mammalian species, suggesting that this missense change does not adversely affect protein function. These predictions have not been confirmed by published functional studies and their clinical significance is uncertain. This variant has not been reported in the literature in individuals with MED25-related disease. This sequence change replaces aspartic acid with asparagine at codon 99 of the MED25 protein (p.Asp99Asn). The aspartic acid residue is highly conserved and there is a small physicochemical difference between aspartic acid and asparagine.